The following is an entry in ClinVar:

ClinVar aggregate classification (germline): Likely benign. Review status: criteria provided, multiple submitters, no conflicts (2 of 4 stars). 2 submissions from 2 submitters: Likely benign (2). Last evaluated 2018-06-19.

Allele frequency attached by ClinVar (database versions not stated): gnomAD exomes 0.00162; gnomAD 0.01404 and 0.01487; TOPMed 0.01612; 1000 Genomes Project 0.01777; 1000 Genomes Project 30x 0.01827.
gnomAD v4.1: 3,305 of 853,330 alleles (0.39%); highest among the groups gnomAD compares: African/African-American, 4.8%; 71 homozygotes.

Submissions (2):

GeneDx
Classification: Likely benign. Last evaluated: 2018-06-19. Review status: criteria provided, single submitter. Criteria: GeneDx Variant Classification (06012015). Collection method: clinical testing. Allele origin: germline. Affected: yes.
Comment: This variant is considered likely benign or benign based on one or more of the following criteria: it is a conservative change, it occurs at a poorly conserved position in the protein, it is predicted to be benign by multiple in silico algorithms, and/or has population frequency not consistent with disease.

Breakthrough Genomics
Classification: Likely benign. Review status: criteria provided, single submitter. Criteria: ACMG Guidelines, 2015. Collection method: not provided. Allele origin: germline. Inheritance: Autosomal recessive inheritance. Affected: yes.

NM_182961.4(SYNE1):c.6541-135A>G

Gene: SYNE1 (spectrin repeat containing nuclear envelope protein 1; minus strand). Cytogenetic location: 6q25.2.
Variant type: single nucleotide variant.
Coding change: c.6541-135A>G on transcript NM_182961.4 (MANE Select); 135 bases into the intron before coding-DNA position 6541, A replaced by G.
Molecular consequence: intron variant.
Genome position (GRCh38, 1-based): chr6:152,407,331, T>C on the plus strand (A>G on the coding strand, the complement: SYNE1 is on the minus strand). VCF-style: chr6-152407331-T-C. GRCh37 (hg19) VCF-style: chr6-152728466-T-C.
Other names: c.6562-135A>G (NM_033071.5).
Identifiers: ClinVar variation 676379 (VCV000676379.2), dbSNP rs114405587, ClinGen allele CA150203531.